The following is an entry in ClinVar:

NM_020982.4(CLDN9):c.162C>A (p.Cys54Ter)

Gene: CLDN9 (claudin 9; plus strand). Cytogenetic location: 16p13.3.
Variant type: single nucleotide variant.
Coding change: c.162C>A on transcript NM_020982.4 (MANE Select); coding-DNA position 162, C replaced by A.
Protein change: p.Cys54Ter; replaces cysteine 54 with a stop codon.
Molecular consequence: nonsense.
Genome position (GRCh38, 1-based): chr16:3,013,524, C>A. VCF-style: chr16-3013524-C-A. GRCh37 (hg19) VCF-style: chr16-3063525-C-A.
Other names: short protein forms C54*.
Identifiers: ClinVar variation 4999348 (VCV004999348.1).

ClinVar aggregate classification (germline): Uncertain significance (1 of 4 stars; one submission).

Conditions:
CLDN9-related disorder. Also called: CLDN9-related condition.

gnomAD v4.1: 21 of 1,613,948 alleles (0.0013%); highest among the groups gnomAD compares: Non-Finnish European, 0.0018%; no homozygotes.

Submission:

PreventionGenetics, part of Exact Sciences
Classification: Uncertain significance for CLDN9-related condition. Last evaluated: 2025-05-21. Review status: criteria provided, single submitter. Criteria: ACMG Guidelines, 2015. Collection method: clinical testing. Allele origin: germline.
Comment: The CLDN9 c.162C>A variant is predicted to result in premature protein termination (p.Cys54*). To our knowledge, this variant has not been reported in the literature or in a large population database (gnomAD), indicating this variant is rare. At this time, the clinical significance of this variant is uncertain due to the absence of conclusive functional and genetic evidence.